The following is an entry in ClinVar:

NM_017780.4(CHD7):c.748C>A (p.Arg250Ser)

Gene: CHD7 (chromodomain helicase DNA binding protein 7; plus strand). Cytogenetic location: 8q12.2.
Variant type: single nucleotide variant.
Coding change: c.748C>A on transcript NM_017780.4 (MANE Select); coding-DNA position 748, C replaced by A.
Protein change: p.Arg250Ser; replaces arginine 250 with serine.
Molecular consequence: missense variant.
Genome position (GRCh38, 1-based): chr8:60,742,180, C>A. VCF-style: chr8-60742180-C-A. GRCh37 (hg19) VCF-style: chr8-61654739-C-A.
Other names: c.748C>A, p.Arg250Ser (NM_001316690.1); short protein forms R250S.
Identifiers: ClinVar variation 2633358 (VCV002633358.1), dbSNP rs368934543, ClinGen allele CA371299154.

ClinVar aggregate classification (germline): Uncertain significance (1 of 4 stars; one submission).

Conditions:
CHD7-related disorder. Also called: CHD7-related condition.

gnomAD v4.1: 3 of 1,613,932 alleles (0.00019%); highest among the groups gnomAD compares: Admixed American, 0.005%; no homozygotes.

Submission:

PreventionGenetics, part of Exact Sciences
Classification: Uncertain significance for CHD7-related condition. Last evaluated: 2023-03-04. Review status: criteria provided, single submitter. Criteria: ACMG Guidelines, 2015. Collection method: clinical testing. Allele origin: germline.
Comment: The CHD7 c.748C>A variant is predicted to result in the amino acid substitution p.Arg250Ser. To our knowledge, this variant has not been reported in the literature. This variant is reported in 0.0087% of alleles in individuals of Latino descent in gnomAD. At this time, the clinical significance of this variant is uncertain due to the absence of conclusive functional and genetic evidence.